The following is an entry in ClinVar:

NM_001211.6(BUB1B):c.1373C>T (p.Thr458Ile)

Gene: BUB1B (BUB1 mitotic checkpoint serine/threonine kinase B; plus strand). Cytogenetic location: 15q15.1.
Variant type: single nucleotide variant.
Coding change: c.1373C>T on transcript NM_001211.6 (MANE Select); coding-DNA position 1373, C replaced by T.
Protein change: p.Thr458Ile; replaces threonine 458 with isoleucine.
Molecular consequence: missense variant.
Genome position (GRCh38, 1-based): chr15:40,199,699, C>T. VCF-style: chr15-40199699-C-T. GRCh37 (hg19) VCF-style: chr15-40491900-C-T.
Other names: short protein forms T458I.
Identifiers: ClinVar variation 1771095 (VCV001771095.5), dbSNP rs766760271, ClinGen allele CA7475716.

ClinVar aggregate classification (germline): Uncertain significance. Review status: criteria provided, multiple submitters, no conflicts (2 of 4 stars). 2 submissions from 2 submitters: Uncertain significance (2). Last evaluated 2025-11-05.

Conditions:
Inborn genetic diseases. Identifiers: MedGen C0950123, MeSH D030342.
Mosaic variegated aneuploidy syndrome 1 (MVA1). Also called: Warburton-Anyane-Yeboa syndrome. Identifiers: Orphanet 1052, MedGen C1850343, MONDO:0009759, OMIM 257300.

Allele frequency attached by ClinVar (database versions not stated): gnomAD exomes below 0.00001; TOPMed 0.00001; ExAC 0.00002.
gnomAD v4.1: 4 of 1,613,798 alleles (0.00025%); highest among the groups gnomAD compares: Admixed American, 0.0067%; no homozygotes.

Submissions (2):

Ambry Genetics
Classification: Uncertain significance for Inborn genetic diseases. Last evaluated: 2025-11-05. Review status: criteria provided, single submitter. Criteria: Ambry Variant Classification Scheme 2023. Collection method: clinical testing. Allele origin: germline.
Comment: The p.T458I variant (also known as c.1373C>T), located in coding exon 10 of the BUB1B gene, results from a C to T substitution at nucleotide position 1373. The threonine at codon 458 is replaced by isoleucine, an amino acid with similar properties. This amino acid position is conserved. In addition, this alteration is predicted to be tolerated by in silico analysis. Since supporting evidence is limited at this time, the clinical significance of this alteration remains unclear.

Labcorp Genetics (formerly Invitae), Labcorp
Classification: Uncertain significance for Mosaic variegated aneuploidy syndrome 1. Last evaluated: 2025-08-10. Review status: criteria provided, single submitter. Criteria: Invitae Variant Classification Sherloc (09022015). Collection method: clinical testing. Allele origin: germline.
Comment: This sequence change replaces threonine, which is neutral and polar, with isoleucine, which is neutral and non-polar, at codon 458 of the BUB1B protein (p.Thr458Ile). This variant is present in population databases (rs766760271, gnomAD 0.009%). This variant has not been reported in the literature in individuals affected with BUB1B-related conditions. ClinVar contains an entry for this variant (Variation ID: 1771095). An algorithm developed to predict the effect of missense changes on protein structure and function (PolyPhen-2) suggests that this variant is likely to be tolerated. In summary, the available evidence is currently insufficient to determine the role of this variant in disease. Therefore, it has been classified as a Variant of Uncertain Significance.